The following is an entry in ClinVar:

ClinVar aggregate classification (germline): Uncertain significance (1 of 4 stars; one submission).

Conditions:
Multiple gastrointestinal atresias. Also called: Multiple intestinal atresia; FAMILIAL INTESTINAL POLYATRESIA SYNDROME. Identifiers: Orphanet 2300, MedGen C0220744, MONDO:0009465.

Allele frequency attached by ClinVar (database versions not stated): gnomAD 0.00001; gnomAD exomes 0.00001; TOPMed 0.00001; ExAC 0.00002; 1000 Genomes Project 30x 0.00016; 1000 Genomes Project 0.00020.
gnomAD v4.1: 10 of 1,614,150 alleles (0.00062%); highest among the groups gnomAD compares: African/African-American, 0.0053%; no homozygotes.

Submission:

Labcorp Genetics (formerly Invitae), Labcorp
Classification: Uncertain significance for Multiple gastrointestinal atresias. Last evaluated: 2021-08-31. Review status: criteria provided, single submitter. Criteria: Invitae Variant Classification Sherloc (09022015). Collection method: clinical testing. Allele origin: germline.
Comment: This sequence change replaces arginine with tryptophan at codon 751 of the TTC7A protein (p.Arg751Trp). The arginine residue is moderately conserved and there is a moderate physicochemical difference between arginine and tryptophan. This variant is present in population databases (rs531344750, ExAC 0.01%). This variant has not been reported in the literature in individuals affected with TTC7A-related conditions. Algorithms developed to predict the effect of missense changes on protein structure and function are either unavailable or do not agree on the potential impact of this missense change (SIFT: "Deleterious"; PolyPhen-2: "Probably Damaging"; Align-GVGD: "Class C0"). In summary, the available evidence is currently insufficient to determine the role of this variant in disease. Therefore, it has been classified as a Variant of Uncertain Significance.

NM_020458.4(TTC7A):c.2251C>T (p.Arg751Trp)

Gene: TTC7A (tetratricopeptide repeat domain 7A; plus strand). Cytogenetic location: 2p21.
Variant type: single nucleotide variant.
Coding change: c.2251C>T on transcript NM_020458.4 (MANE Select); coding-DNA position 2251, C replaced by T.
Protein change: p.Arg751Trp; replaces arginine 751 with tryptophan.
Molecular consequence: missense variant.
Genome position (GRCh38, 1-based): chr2:47,060,867, C>T. VCF-style: chr2-47060867-C-T. GRCh37 (hg19) VCF-style: chr2-47288006-C-T.
Other names: c.2251C>T, p.Arg751Trp (LRG_1323t1); c.2323C>T, p.Arg775Trp (NM_001288951.2); c.2149C>T, p.Arg717Trp (NM_001288953.2); c.1189C>T, p.Arg397Trp (NM_001288955.2); short protein forms R717W, R751W, R397W, R775W.
Identifiers: ClinVar variation 660821 (VCV000660821.6), dbSNP rs531344750, ClinGen allele CA1648076.